The following is an entry in ClinVar:

NM_001278512.2(AP3B2):c.2093C>T (p.Ser698Leu)

Genes: AP3B2 (adaptor related protein complex 3 subunit beta 2; minus strand), CPEB1-AS1 (CPEB1 antisense RNA 1; plus strand). Cytogenetic location: 15q25.2.
Variant type: single nucleotide variant.
Coding change: c.2093C>T on transcript NM_001278512.2 (MANE Select); coding-DNA position 2093, C replaced by T.
Protein change: p.Ser698Leu; replaces serine 698 with leucine.
Molecular consequence: missense variant.
Genome position (GRCh38, 1-based): chr15:82,664,879, G>A on the plus strand (C>T on the coding strand, the complement: AP3B2 is on the minus strand). VCF-style: chr15-82664879-G-A. GRCh37 (hg19) VCF-style: chr15-83333631-G-A.
Other names: c.1940C>T, p.Ser647Leu (NM_001278511.2); c.2036C>T, p.Ser679Leu (NM_004644.5); short protein forms S679L, S698L, S647L.
Identifiers: ClinVar variation 1445120 (VCV001445120.5), dbSNP rs564405920, ClinGen allele CA7700018.

ClinVar aggregate classification (germline): Uncertain significance (1 of 4 stars; one submission).

Allele frequency attached by ClinVar (database versions not stated): gnomAD exomes below 0.00001; gnomAD 0.00001; ExAC 0.00002; 1000 Genomes Project 30x 0.00016; 1000 Genomes Project 0.00020.
gnomAD v4.1: 47 of 1,605,370 alleles (0.0029%); highest among the groups gnomAD compares: Non-Finnish European, 0.0038%; no homozygotes.

Submission:

Labcorp Genetics (formerly Invitae), Labcorp
Classification: Uncertain significance. Last evaluated: 2023-08-24. Review status: criteria provided, single submitter. Criteria: Invitae Variant Classification Sherloc (09022015). Collection method: clinical testing. Allele origin: germline.
Comment: ClinVar contains an entry for this variant (Variation ID: 1445120). This variant has not been reported in the literature in individuals affected with AP3B2-related conditions. The frequency data for this variant in the population databases is considered unreliable, as metrics indicate poor data quality at this position in the gnomAD database. This sequence change replaces serine, which is neutral and polar, with leucine, which is neutral and non-polar, at codon 679 of the AP3B2 protein (p.Ser679Leu). An algorithm developed to predict the effect of missense changes on protein structure and function (PolyPhen-2) suggests that this variant is likely to be disruptive. In summary, the available evidence is currently insufficient to determine the role of this variant in disease. Therefore, it has been classified as a Variant of Uncertain Significance.